The following is an entry in ClinVar:

ClinVar aggregate classification (germline): Uncertain significance. Review status: criteria provided, multiple submitters, no conflicts (2 of 4 stars). 2 submissions from 2 submitters: Uncertain significance (2). Last evaluated 2025-03-28.

Conditions:
Hereditary cancer-predisposing syndrome. Also called: Neoplastic Syndromes, Hereditary; Hereditary Cancer Syndrome; Hereditary neoplastic syndrome; Tumor predisposition. Identifiers: Orphanet 140162, MedGen C0027672, MeSH D009386, MONDO:0015356.
Tuberous sclerosis 2 (TSC2). Identifiers: Orphanet 805, MedGen C1860707, MONDO:0013199, OMIM 613254.

Submissions (2):

Ambry Genetics
Classification: Uncertain significance for Hereditary cancer-predisposing syndrome. Last evaluated: 2025-03-28. Review status: criteria provided, single submitter. Criteria: Ambry Variant Classification Scheme 2023. Collection method: clinical testing. Allele origin: germline.
Comment: The p.V296L variant (also known as c.886G>T), located in coding exon 9 of the TSC2 gene, results from a G to T substitution at nucleotide position 886. The valine at codon 296 is replaced by leucine, an amino acid with highly similar properties. This amino acid position is highly conserved in available vertebrate species. In addition, this alteration is predicted to be deleterious by in silico analysis. Based on the available evidence, the clinical significance of this variant remains unclear.

Labcorp Genetics (formerly Invitae), Labcorp
Classification: Uncertain significance for Tuberous sclerosis 2. Last evaluated: 2019-04-10. Review status: criteria provided, single submitter. Criteria: Invitae Variant Classification Sherloc (09022015). Collection method: clinical testing. Allele origin: germline.
Comment: This sequence change replaces valine with leucine at codon 296 of the TSC2 protein (p.Val296Leu). The valine residue is highly conserved and there is a small physicochemical difference between valine and leucine. This variant is not present in population databases (ExAC no frequency). This variant has not been reported in the literature in individuals with TSC2-related conditions. Algorithms developed to predict the effect of missense changes on protein structure and function are either unavailable or do not agree on the potential impact of this missense change (SIFT: "Deleterious"; PolyPhen-2: "Benign"; Align-GVGD: "Class C25"). In summary, the available evidence is currently insufficient to determine the role of this variant in disease. Therefore, it has been classified as a Variant of Uncertain Significance.

NM_000548.5(TSC2):c.886G>T (p.Val296Leu)

Gene: TSC2 (TSC complex subunit 2; plus strand). Cytogenetic location: 16p13.3.
Variant type: single nucleotide variant.
Coding change: c.886G>T on transcript NM_000548.5 (MANE Select); coding-DNA position 886, G replaced by T.
Protein change: p.Val296Leu; replaces valine 296 with leucine.
Molecular consequence: missense variant.
Genome position (GRCh38, 1-based): chr16:2,058,784, G>T. VCF-style: chr16-2058784-G-T. GRCh37 (hg19) VCF-style: chr16-2108785-G-T.
Other names: c.886G>T, p.Val296Leu (NM_001077183.3, NM_001114382.3, NM_001363528.2 and 3 more transcripts); c.775G>T, p.Val259Leu (NM_001318827.2); c.739G>T, p.Val247Leu (NM_001318829.2); c.286G>T, p.Val96Leu (NM_001318831.2); c.919G>T, p.Val307Leu (NM_001318832.2); short protein forms V96L, V296L, V259L, V307L, V247L.
Identifiers: ClinVar variation 849839 (VCV000849839.13), dbSNP rs747237113, ClinGen allele CA394315153.